The following is an entry in ClinVar:

NM_000435.3(NOTCH3):c.2217G>T (p.Glu739Asp)

Gene: NOTCH3 (notch receptor 3; minus strand). Cytogenetic location: 19p13.12.
Variant type: single nucleotide variant.
Coding change: c.2217G>T on transcript NM_000435.3 (MANE Select); coding-DNA position 2217, G replaced by T.
Protein change: p.Glu739Asp; replaces glutamic acid 739 with aspartic acid.
Molecular consequence: missense variant.
Genome position (GRCh38, 1-based): chr19:15,185,336, C>A on the plus strand (G>T on the coding strand, the complement: NOTCH3 is on the minus strand). VCF-style: chr19-15185336-C-A. GRCh37 (hg19) VCF-style: chr19-15296147-C-A.
Other names: short protein forms E739D.
Identifiers: ClinVar variation 2870491 (VCV002870491.3), dbSNP rs1240348877, ClinGen allele CA404521768.

ClinVar aggregate classification (germline): Uncertain significance (1 of 4 stars; one submission).

Submission:

Labcorp Genetics (formerly Invitae), Labcorp
Classification: Uncertain significance. Last evaluated: 2023-12-07. Review status: criteria provided, single submitter. Criteria: Invitae Variant Classification Sherloc (09022015). Collection method: clinical testing. Allele origin: germline.
Comment: This sequence change replaces glutamic acid, which is acidic and polar, with aspartic acid, which is acidic and polar, at codon 739 of the NOTCH3 protein (p.Glu739Asp). This variant is not present in population databases (gnomAD no frequency). This variant has not been reported in the literature in individuals affected with NOTCH3-related conditions. Advanced modeling of protein sequence and biophysical properties (such as structural, functional, and spatial information, amino acid conservation, physicochemical variation, residue mobility, and thermodynamic stability) performed at Invitae indicates that this missense variant is not expected to disrupt NOTCH3 protein function with a negative predictive value of 95%. In summary, the available evidence is currently insufficient to determine the role of this variant in disease. Therefore, it has been classified as a Variant of Uncertain Significance.